The following is an entry in ClinVar:

ClinVar aggregate classification (germline): Uncertain significance. Review status: criteria provided, multiple submitters, no conflicts (2 of 4 stars). 3 submissions from 3 submitters: Uncertain significance (2). 1 of the submissions does not count toward it. Last evaluated 2024-10-03.

Conditions:
PROM1-related disorder. Also called: PROM1-related disorders; PROM1-related condition.

gnomAD v4.1: 8 of 1,589,796 alleles (0.0005%); highest among the groups gnomAD compares: Non-Finnish European, 0.00069%; no homozygotes.

Submissions (3):

Blueprint Genetics
Classification: Uncertain significance. Last evaluated: 2024-10-03. Review status: criteria provided, single submitter. Criteria: ACMG Guidelines, 2015. Collection method: clinical testing. Allele origin: germline.

Labcorp Genetics (formerly Invitae), Labcorp
Classification: Uncertain significance. Last evaluated: 2023-06-03. Review status: criteria provided, single submitter. Criteria: Invitae Variant Classification Sherloc (09022015). Collection method: clinical testing. Allele origin: germline.
Comment: In summary, the available evidence is currently insufficient to determine the role of this variant in disease. Therefore, it has been classified as a Variant of Uncertain Significance. This sequence change replaces leucine, which is neutral and non-polar, with phenylalanine, which is neutral and non-polar, at codon 524 of the PROM1 protein (p.Leu524Phe). This variant is present in population databases (rs776521084, gnomAD 0.003%). This variant has not been reported in the literature in individuals affected with PROM1-related conditions. Advanced modeling of protein sequence and biophysical properties (such as structural, functional, and spatial information, amino acid conservation, physicochemical variation, residue mobility, and thermodynamic stability) performed at Invitae indicates that this missense variant is expected to disrupt PROM1 protein function.

PreventionGenetics, part of Exact Sciences
Classification: Uncertain significance for PROM1-related condition. Last evaluated: 2024-09-09. Review status: no assertion criteria provided. Collection method: clinical testing. Allele origin: germline. Not counted in ClinVar's aggregate classification.
Comment: The PROM1 c.1572A>C variant is predicted to result in the amino acid substitution p.Leu524Phe. To our knowledge, this variant has not been reported in the literature. This variant is reported in 0.0027% of alleles in individuals of European (Non-Finnish) descent in gnomAD. At this time, the clinical significance of this variant is uncertain due to the absence of conclusive functional and genetic evidence.

NM_006017.3(PROM1):c.1572A>C (p.Leu524Phe)

Gene: PROM1 (prominin 1; minus strand). Cytogenetic location: 4p15.32.
Variant type: single nucleotide variant.
Coding change: c.1572A>C on transcript NM_006017.3 (MANE Select); coding-DNA position 1572, A replaced by C.
Protein change: p.Leu524Phe; replaces leucine 524 with phenylalanine.
Molecular consequence: missense variant.
Genome position (GRCh38, 1-based): chr4:16,000,502, T>G on the plus strand (A>C on the coding strand, the complement: PROM1 is on the minus strand). VCF-style: chr4-16000502-T-G. GRCh37 (hg19) VCF-style: chr4-16002125-T-G.
Other names: c.1572A>C (NM_006017.2); c.1545A>C, p.Leu515Phe (NM_001145847.2, NM_001145848.2, NM_001145851.2 and 4 more transcripts); c.1572A>C, p.Leu524Phe (NM_001145849.2, NM_001145850.2); short protein forms L524F, L515F.
Identifiers: ClinVar variation 2977228 (VCV002977228.5), dbSNP rs776521084, ClinGen allele CA2866734.